The following is an entry in ClinVar:

ClinVar aggregate classification (germline): Uncertain significance. Review status: criteria provided, multiple submitters, no conflicts (2 of 4 stars). 2 submissions from 2 submitters: Uncertain significance (2). Last evaluated 2025-11-27.

Conditions:
Inborn genetic diseases. Identifiers: MedGen C0950123, MeSH D030342.
Early Myoclonic Encephalopathy. Identifiers: MedGen C0270855.

gnomAD v4.1: 7 of 1,614,082 alleles (0.00043%); highest among the groups gnomAD compares: Non-Finnish European, 0.00059%; no homozygotes.

Submissions (2):

Labcorp Genetics (formerly Invitae), Labcorp
Classification: Uncertain significance for Early Myoclonic Encephalopathy. Last evaluated: 2025-11-27. Review status: criteria provided, single submitter. Criteria: Invitae Variant Classification Sherloc (09022015). Collection method: clinical testing. Allele origin: germline.
Comment: This sequence change replaces histidine, which is basic and polar, with arginine, which is basic and polar, at codon 77 of the KCND2 protein (p.His77Arg). This variant is not present in population databases (gnomAD no frequency). This variant has not been reported in the literature in individuals affected with KCND2-related conditions. ClinVar contains an entry for this variant (Variation ID: 3630380). Invitae Evidence Modeling of protein sequence and biophysical properties (such as structural, functional, and spatial information, amino acid conservation, physicochemical variation, residue mobility, and thermodynamic stability) indicates that this missense variant is not expected to disrupt KCND2 protein function with a negative predictive value of 95%. In summary, the available evidence is currently insufficient to determine the role of this variant in disease. Therefore, it has been classified as a Variant of Uncertain Significance.

Ambry Genetics
Classification: Uncertain significance for Inborn genetic diseases. Last evaluated: 2025-09-11. Review status: criteria provided, single submitter. Criteria: Ambry Variant Classification Scheme 2023. Collection method: clinical testing. Allele origin: germline.

NM_012281.3(KCND2):c.230A>G (p.His77Arg)

Gene: KCND2 (potassium voltage-gated channel subfamily D member 2; plus strand). Cytogenetic location: 7q31.31.
Variant type: single nucleotide variant.
Coding change: c.230A>G on transcript NM_012281.3 (MANE Select); coding-DNA position 230, A replaced by G.
Protein change: p.His77Arg; replaces histidine 77 with arginine.
Molecular consequence: missense variant.
Genome position (GRCh38, 1-based): chr7:120,274,862, A>G. VCF-style: chr7-120274862-A-G. GRCh37 (hg19) VCF-style: chr7-119914916-A-G.
Other names: c.230A>G (NM_012281.2); short protein forms H77R.
Identifiers: ClinVar variation 3630380 (VCV003630380.3).